The following is an entry in ClinVar:

NM_001845.6(COL4A1):c.265A>G (p.Thr89Ala)

Gene: COL4A1 (collagen type IV alpha 1 chain; minus strand). Cytogenetic location: 13q34.
Variant type: single nucleotide variant.
Coding change: c.265A>G on transcript NM_001845.6 (MANE Select); coding-DNA position 265, A replaced by G.
Protein change: p.Thr89Ala; replaces threonine 89 with alanine.
Molecular consequence: missense variant.
Genome position (GRCh38, 1-based): chr13:110,213,796, T>C on the plus strand (A>G on the coding strand, the complement: COL4A1 is on the minus strand). VCF-style: chr13-110213796-T-C. GRCh37 (hg19) VCF-style: chr13-110866143-T-C.
Other names: c.265A>G, p.Thr89Ala (NM_001303110.2); short protein forms T89A.
Identifiers: ClinVar variation 3339604 (VCV003339604.1).

ClinVar aggregate classification (germline): Uncertain significance (1 of 4 stars; one submission).

gnomAD v4.1: 3 of 1,614,152 alleles (0.00019%); highest among the groups gnomAD compares: Non-Finnish European, 0.00025%; no homozygotes.

Submission:

Women's Health and Genetics/Laboratory Corporation of America, LabCorp
Classification: Uncertain significance. Last evaluated: 2024-06-11. Review status: criteria provided, single submitter. Criteria: LabCorp Variant Classification Summary - May 2015. Collection method: clinical testing. Allele origin: germline.
Comment: Variant summary: COL4A1 c.265A>G (p.Thr89Ala) results in a non-conservative amino acid change in the encoded protein sequence. Four of five in-silico tools predict a damaging effect of the variant on protein function. The variant was absent in 251470 control chromosomes (gnomAD). The available data on variant occurrences in the general population are insufficient to allow any conclusion about variant significance. To our knowledge, no occurrence of c.265A>G in individuals affected with Porencephaly 1 and no experimental evidence demonstrating its impact on protein function have been reported. No submitters have cited clinical-significance assessments for this variant to ClinVar. Based on the evidence outlined above, the variant was classified as uncertain significance.